The following is an entry in ClinVar:

ClinVar aggregate classification (germline): Uncertain significance. Review status: criteria provided, multiple submitters, no conflicts (2 of 4 stars). 2 submissions from 2 submitters: Uncertain significance (2). Last evaluated 2026-04-22.

Conditions:
Dystonia 12 (DYT12). Also called: DYT-ATP1A3; Rapid-Onset Dystonia-Parkinsonism (RDP). Identifiers: Orphanet 71517, MedGen C1868681, MONDO:0007496, OMIM 128235.

Submissions (2):

GeneDx
Classification: Uncertain significance. Last evaluated: 2026-04-22. Review status: criteria provided, single submitter. Criteria: GeneDx Variant Classification Process June 2021. Collection method: clinical testing. Allele origin: germline.
Comment: Not observed at significant frequency in large population cohorts (gnomAD); In silico analysis supports a deleterious effect on splicing; In silico analysis supports that this missense variant does not alter protein structure/function; Has not been previously published as pathogenic or benign to our knowledge

Labcorp Genetics (formerly Invitae), Labcorp
Classification: Uncertain significance for Dystonia 12. Last evaluated: 2024-03-12. Review status: criteria provided, single submitter. Criteria: Invitae Variant Classification Sherloc (09022015). Collection method: clinical testing. Allele origin: germline.
Comment: This sequence change replaces arginine, which is basic and polar, with lysine, which is basic and polar, at codon 435 of the ATP1A3 protein (p.Arg435Lys). This variant is not present in population databases (gnomAD no frequency). This variant has not been reported in the literature in individuals affected with ATP1A3-related conditions. An algorithm developed to predict the effect of missense changes on protein structure and function (PolyPhen-2) suggests that this variant is likely to be disruptive. In summary, the available evidence is currently insufficient to determine the role of this variant in disease. Therefore, it has been classified as a Variant of Uncertain Significance.

NM_152296.5(ATP1A3):c.1304G>A (p.Arg435Lys)

Gene: ATP1A3 (ATPase Na+/K+ transporting subunit alpha 3; minus strand). Cytogenetic location: 19q13.2.
Variant type: single nucleotide variant.
Coding change: c.1304G>A on transcript NM_152296.5 (MANE Select); coding-DNA position 1304, G replaced by A.
Protein change: p.Arg435Lys; replaces arginine 435 with lysine.
Molecular consequence: missense variant.
Genome position (GRCh38, 1-based): chr19:41,981,635, C>T on the plus strand (G>A on the coding strand, the complement: ATP1A3 is on the minus strand). VCF-style: chr19-41981635-C-T. GRCh37 (hg19) VCF-style: chr19-42485787-C-T.
Other names: c.1337G>A, p.Arg446Lys (NM_001256213.2); c.1343G>A, p.Arg448Lys (NM_001256214.2); c.1304G>A (NM_152296.4); short protein forms R448K, R435K, R446K.
Identifiers: ClinVar variation 2726960 (VCV002726960.4), dbSNP rs2514065280, ClinGen allele CA406050030.